The following is an entry in ClinVar:

NM_018943.3(TUBA8):c.368G>A (p.Arg123Gln)

Gene: TUBA8 (tubulin alpha 8; plus strand). Cytogenetic location: 22q11.21.
Variant type: single nucleotide variant.
Coding change: c.368G>A on transcript NM_018943.3 (MANE Select); coding-DNA position 368, G replaced by A.
Protein change: p.Arg123Gln; replaces arginine 123 with glutamine.
Molecular consequence: missense variant.
Genome position (GRCh38, 1-based): chr22:18,124,297, G>A. VCF-style: chr22-18124297-G-A. GRCh37 (hg19) VCF-style: chr22-18607064-G-A.
Other names: c.170G>A, p.Arg57Gln (NM_001193414.2); short protein forms R57Q, R123Q.
Identifiers: ClinVar variation 3001102 (VCV003001102.3), dbSNP rs769713462, ClinGen allele CA10093652.

ClinVar aggregate classification (germline): Uncertain significance (1 of 4 stars; one submission).

Allele frequency attached by ClinVar (database versions not stated): gnomAD exomes 0.00001; TOPMed 0.00001; ExAC 0.00002.
gnomAD v4.1: 12 of 1,613,680 alleles (0.00074%); highest among the groups gnomAD compares: East Asian, 0.0022%; no homozygotes.

Submission:

Labcorp Genetics (formerly Invitae), Labcorp
Classification: Uncertain significance. Last evaluated: 2023-10-30. Review status: criteria provided, single submitter. Criteria: Invitae Variant Classification Sherloc (09022015). Collection method: clinical testing. Allele origin: germline.
Comment: This sequence change replaces arginine, which is basic and polar, with glutamine, which is neutral and polar, at codon 123 of the TUBA8 protein (p.Arg123Gln). The frequency data for this variant in the population databases is considered unreliable, as metrics indicate poor data quality at this position in the gnomAD database. This variant has not been reported in the literature in individuals affected with TUBA8-related conditions. Advanced modeling of protein sequence and biophysical properties (such as structural, functional, and spatial information, amino acid conservation, physicochemical variation, residue mobility, and thermodynamic stability) performed at Invitae indicates that this missense variant is not expected to disrupt TUBA8 protein function with a negative predictive value of 80%. In summary, the available evidence is currently insufficient to determine the role of this variant in disease. Therefore, it has been classified as a Variant of Uncertain Significance.